The following is an entry in ClinVar:

NM_001122764.3(PPOX):c.1263G>C (p.Gln421His)

Gene: PPOX (protoporphyrinogen oxidase; plus strand). Cytogenetic location: 1q23.3.
Variant type: single nucleotide variant.
Coding change: c.1263G>C on transcript NM_001122764.3 (MANE Select); coding-DNA position 1263, G replaced by C.
Protein change: p.Gln421His; replaces glutamine 421 with histidine.
Molecular consequence: missense variant.
Genome position (GRCh38, 1-based): chr1:161,170,921, G>C. VCF-style: chr1-161170921-G-C. GRCh37 (hg19) VCF-style: chr1-161140711-G-C.
Other names: c.1263G>C, p.Gln421His (NM_000309.5, NM_001365398.1); c.1164G>C, p.Gln388His (NM_001350128.2); c.855G>C, p.Gln285His (NM_001350129.2, NM_001365400.1); c.777G>C, p.Gln259His (NM_001350130.2, NM_001350131.2, NM_001365401.1); c.1152G>C, p.Gln384His (NM_001365399.1); c.1263G>C (NM_000309.3); short protein forms Q388H, Q285H, Q421H, Q259H, Q384H.
Identifiers: ClinVar variation 1514772 (VCV001514772.9), dbSNP rs370738994, ClinGen allele CA343358708.

ClinVar aggregate classification (germline): Uncertain significance. Review status: criteria provided, multiple submitters, no conflicts (2 of 4 stars). 2 submissions from 2 submitters: Uncertain significance (2). Last evaluated 2025-11-03.

Conditions:
Inborn genetic diseases. Identifiers: MedGen C0950123, MeSH D030342.

gnomAD v4.1: 9 of 1,614,028 alleles (0.00056%); highest among the groups gnomAD compares: Non-Finnish European, 0.00068%; no homozygotes.

Submissions (2):

Ambry Genetics
Classification: Uncertain significance for Inborn genetic diseases. Last evaluated: 2025-11-03. Review status: criteria provided, single submitter. Criteria: Ambry Variant Classification Scheme 2023. Collection method: clinical testing. Allele origin: germline.

Labcorp Genetics (formerly Invitae), Labcorp
Classification: Uncertain significance. Last evaluated: 2021-03-25. Review status: criteria provided, single submitter. Criteria: Invitae Variant Classification Sherloc (09022015). Collection method: clinical testing. Allele origin: germline.
Comment: This variant is not present in population databases (ExAC no frequency). This sequence change replaces glutamine with histidine at codon 421 of the PPOX protein (p.Gln421His). The glutamine residue is highly conserved and there is a small physicochemical difference between glutamine and histidine. This variant has been observed in individual(s) with clinical features of variegate porphyria (Invitae). Algorithms developed to predict the effect of missense changes on protein structure and function are either unavailable or do not agree on the potential impact of this missense change (SIFT: "Deleterious"; PolyPhen-2: "Probably Damaging"; Align-GVGD: "Class C0"). In summary, the available evidence is currently insufficient to determine the role of this variant in disease. Therefore, it has been classified as a Variant of Uncertain Significance.